The following is an entry in ClinVar:

NM_001369.3(DNAH5):c.10213delinsTACCTTCAGAGGCAGTAC (p.Gly3405fs)

Gene: DNAH5 (dynein axonemal heavy chain 5; minus strand). Cytogenetic location: 5p15.2.
Variant type: Indel.
Coding change: c.10213delinsTACCTTCAGAGGCAGTAC on transcript NM_001369.3 (MANE Select); coding-DNA position 10213, G replaced by TACCTTCAGAGGCAGTAC.
Protein change: p.Gly3405fs; shifts the reading frame from glycine 3405.
Molecular consequence: frameshift variant.
Genome position (GRCh38, 1-based): chr5:13,762,790, C replaced by GTACTGCCTCTGAAGGTA on the plus strand (G replaced by TACCTTCAGAGGCAGTAC on the coding strand, the reverse complement: DNAH5 is on the minus strand). VCF-style: chr5-13762790-C-GTACTGCCTCTGAAGGTA. GRCh37 (hg19) VCF-style: chr5-13762899-C-GTACTGCCTCTGAAGGTA.
Other names: short protein forms G3405fs.
Identifiers: ClinVar variation 5010502 (VCV005010502.1).
Genomic context (GRCh38, chr5:13,762,790, plus strand): 5'-GCAGTACTTCTTTGTTTATAGAAAAGAAGGAAGCCATAGCTTTCGTCCAGGAACAAAGAC[C>GTACTGCCTCTGAAGGTA]AGCTACATTTCCACATACGCGTTTAGCAGTTTCGATGTTATAGTCAGGCATTTCAAAGTA-3'

ClinVar aggregate classification (germline): Pathogenic (1 of 4 stars; one submission).

Conditions:
Primary ciliary dyskinesia 3. Identifiers: Orphanet 244, MedGen C1837618, MONDO:0012085, OMIM 608644.

Submission:

Myriad Genetics, Inc.
Classification: Pathogenic for Primary ciliary dyskinesia 3. Last evaluated: 2024-05-14. Review status: criteria provided, single submitter. Criteria: Myriad Autosomal Dominant, Autosomal Recessive and X-Linked Classification Criteria (2023). Collection method: clinical testing. Allele origin: unknown.
Comment: NM_001369.2(DNAH5):c.10213del1ins18(G3405Yfs*21) is expected to be pathogenic in the context of primary ciliary dyskinesia, DNAH5-related. This variant is predicted to lead to an abnormal or absent protein product due to the creation of a premature termination codon in DNAH5, a gene where loss-of-function variants are known to be pathogenic. Please note: this variant was assessed in the context of healthy population screening.